The following is an entry in ClinVar:

NM_005445.4(SMC3):c.951A>T (p.Ala317=)

Gene: SMC3 (structural maintenance of chromosomes 3; plus strand). Cytogenetic location: 10q25.2.
Variant type: single nucleotide variant.
Coding change: c.951A>T on transcript NM_005445.4 (MANE Select); coding-DNA position 951, A replaced by T.
Protein change: p.Ala317=; no amino-acid change (alanine 317 retained).
Molecular consequence: synonymous variant.
Genome position (GRCh38, 1-based): chr10:110,583,530, A>T. VCF-style: chr10-110583530-A-T. GRCh37 (hg19) VCF-style: chr10-112343288-A-T.
Identifiers: ClinVar variation 3030576 (VCV003030576.2), dbSNP rs2493115886, ClinGen allele CA471371237.

ClinVar aggregate classification (germline): Likely benign (0 of 4 stars; one submission).

Conditions:
SMC3-related disorder. Also called: SMC3-related condition.

Allele frequency attached by ClinVar (database versions not stated): gnomAD exomes 0.00001.
gnomAD v4.1: 5 of 1,614,132 alleles (0.00031%); highest among the groups gnomAD compares: Non-Finnish European, 0.00034%; no homozygotes.

Submission:

PreventionGenetics, part of Exact Sciences
Classification: Likely benign for SMC3-related condition. Last evaluated: 2022-06-12. Review status: no assertion criteria provided. Collection method: clinical testing. Allele origin: germline.
Comment: This variant is classified as likely benign based on ACMG/AMP sequence variant interpretation guidelines (Richards et al. 2015 PMID: 25741868, with internal and published modifications).